The following is an entry in ClinVar:

ClinVar aggregate classification (germline): Likely benign (1 of 4 stars; one submission).

Allele frequency attached by ClinVar (database versions not stated): 1000 Genomes Project 0.00020; 1000 Genomes Project 30x 0.00031; ExAC 0.00190; TOPMed 0.00206; gnomAD 0.00216; gnomAD exomes 0.00326; ESP Exome Variant Server 0.00346.
gnomAD v4.1: 5,096 of 1,613,936 alleles (0.32%); highest among the groups gnomAD compares: Middle Eastern, 0.89%; 17 homozygotes.

Submission:

CeGaT Center for Human Genetics Tuebingen
Classification: Likely benign. Last evaluated: 2022-09-01. Review status: criteria provided, single submitter. Criteria: CeGaT Center For Human Genetics Tuebingen Variant Classification Criteria Version 2. Collection method: clinical testing. Allele origin: germline. Affected: yes. Observed: 1 variant allele.
Comment: PCDHGB4: BP4

NM_003736.4(PCDHGB4):c.818T>G (p.Val273Gly)

Genes: PCDHG@ (protocadherin gamma cluster; plus strand), PCDHGA1 (protocadherin gamma subfamily A, 1; plus strand), PCDHGA2 (protocadherin gamma subfamily A, 2; plus strand), PCDHGA3 (protocadherin gamma subfamily A, 3; plus strand), PCDHGA4 (protocadherin gamma subfamily A, 4; plus strand) and 7 more. Cytogenetic location: 5q31.3.
Variant type: single nucleotide variant.
Coding change: c.818T>G on transcript NM_003736.4 (MANE Select); coding-DNA position 818, T replaced by G.
Protein change: p.Val273Gly; replaces valine 273 with glycine.
Molecular consequence: missense variant. On other transcripts: intron variant (10).
Genome position (GRCh38, 1-based): chr5:141,388,702, T>G. VCF-style: chr5-141388702-T-G. GRCh37 (hg19) VCF-style: chr5-140768269-T-G.
Other names: c.818T>G, p.Val273Gly (NM_032098.1); c.2421+55597T>G (NM_018912.3); c.2424+47307T>G (NM_018915.4); c.2424+42245T>G (NM_018916.4); c.2409+36033T>G (NM_018922.3); c.2514+31081T>G (NM_018917.4); c.2421+26146T>G (NM_018923.3); c.2421+21951T>G (NM_018918.3); and 3 more; short protein forms V273G.
Identifiers: ClinVar variation 2655850 (VCV002655850.24), dbSNP rs201901866, ClinGen allele CA3472407.